The following is an entry in ClinVar:

ClinVar aggregate classification (germline): Conflicting classifications of pathogenicity. Review status: criteria provided, conflicting classifications (1 of 4 stars). 5 submissions from 5 submitters: Uncertain significance (3); Likely benign (1). 1 of the submissions does not count toward it. Last evaluated 2026-01-07.

Conditions:
Inborn genetic diseases. Identifiers: MedGen C0950123, MeSH D030342.
Nemaline myopathy 2 (NEM2). Also called: Nemaline myopathy 2, autosomal recessive. Identifiers: MedGen C1850569, MONDO:0009725, OMIM 256030.

Allele frequency attached by ClinVar (database versions not stated): ESP Exome Variant Server 0.00008; gnomAD exomes 0.00011 and 0.00037; gnomAD 0.00012 and 0.00013; ExAC 0.00018; TOPMed 0.00020.
gnomAD v4.1: 540 of 1,590,828 alleles (0.034%); highest among the groups gnomAD compares: Non-Finnish European, 0.045%; no homozygotes.

Submissions (5):

Labcorp Genetics (formerly Invitae), Labcorp
Classification: Likely benign for Nemaline myopathy 2. Last evaluated: 2026-01-07. Review status: criteria provided, single submitter. Criteria: Invitae Variant Classification Sherloc (09022015). Collection method: clinical testing. Allele origin: germline.

GeneDx
Classification: Uncertain significance. Last evaluated: 2025-12-14. Review status: criteria provided, single submitter. Criteria: GeneDx Variant Classification Process June 2021. Collection method: clinical testing. Allele origin: germline. Affected: yes.
Comment: In silico analysis suggests that this missense variant does not alter protein structure/function; Has not been previously published as pathogenic or benign to our knowledge

Ambry Genetics
Classification: Uncertain significance for Inborn genetic diseases. Last evaluated: 2025-07-01. Review status: criteria provided, single submitter. Criteria: Ambry Variant Classification Scheme 2023. Collection method: clinical testing. Allele origin: germline.

Revvity Omics, Revvity
Classification: Uncertain significance. Last evaluated: 2019-04-25. Review status: criteria provided, single submitter. Criteria: ACMG Guidelines, 2015. Collection method: clinical testing. Allele origin: germline.

Natera, Inc.
Classification: Uncertain significance for Nemaline myopathy type 2. Last evaluated: 2019-11-11. Review status: no assertion criteria provided. Collection method: clinical testing. Allele origin: germline. Not counted in ClinVar's aggregate classification.

NM_001164508.2(NEB):c.18398A>G (p.Lys6133Arg)

Gene: NEB (nebulin; minus strand). Cytogenetic location: 2q23.3.
Variant type: single nucleotide variant.
Coding change: c.18398A>G on transcript NM_001164508.2 (MANE Select); coding-DNA position 18398, A replaced by G.
Protein change: p.Lys6133Arg; replaces lysine 6133 with arginine.
Molecular consequence: missense variant.
Genome position (GRCh38, 1-based): chr2:151,565,117, T>C on the plus strand (A>G on the coding strand, the complement: NEB is on the minus strand). VCF-style: chr2-151565117-T-C. GRCh37 (hg19) VCF-style: chr2-152421631-T-C.
Other names: c.18398A>G, p.Lys6133Arg (NM_001164507.2, NM_001271208.2); c.13295A>G, p.Lys4432Arg (NM_004543.5); c.13295A>G (NM_004543.4); short protein forms K6133R, K4432R.
Identifiers: ClinVar variation 534000 (VCV000534000.19), dbSNP rs199594449, ClinGen allele CA1907964.